The following is an entry in ClinVar:

NM_001110556.2(FLNA):c.7898_7900del (p.Gly2633del)

Genes: FLNA (filamin A; minus strand), LOC107988032 (Xq28 proximal FLNA-EMD recombination region; plus strand). Cytogenetic location: Xq28.
Variant type: Deletion.
Coding change: c.7898_7900del on transcript NM_001110556.2 (MANE Select); coding-DNA positions 7898 to 7900, 3 bases deleted (GGG; older notation c.7898_7900delGGG).
Protein change: p.Gly2633del; deletes glycine 2633.
Molecular consequence: inframe deletion.
Genome position (GRCh38, 1-based): chrX:154,348,893-154,348,895, CCC deleted on the plus strand (GGG on the coding strand, the reverse complement: FLNA is on the minus strand); deleting any 3 consecutive bases within chrX:154,348,893-154,348,898 gives the same sequence; the c. name uses the placement nearest the transcript's 3' end. VCF-style (leftmost placement, unchanged base first): chrX-154348892-TCCC-T. GRCh37 (hg19) VCF-style: chrX-153577260-TCCC-T.
Other names: c.7874_7876del, p.Gly2625del (NM_001456.4); short protein forms G2625del, G2633del.
Identifiers: ClinVar variation 213497 (VCV000213497.13), dbSNP rs863223635, ClinGen allele CA320769.

ClinVar aggregate classification (germline): Conflicting classifications of pathogenicity. Review status: criteria provided, conflicting classifications (1 of 4 stars). 4 submissions from 4 submitters: Likely pathogenic (1); Uncertain significance (2). 1 of the submissions does not count toward it. Last evaluated 2021-11-10.

Conditions:
Oto-palato-digital syndrome, type II (OPD2). Also called: FACIOPALATOOSSEOUS SYNDROME; Otopalatodigital Syndrome, Type II; Otopalatodigital Syndrome Type 2 (FLNA-OPD2); OPD II SYNDROME. Identifiers: Orphanet 669, Orphanet 90652, MedGen C1844696, MONDO:0010571, OMIM 304120.
Heterotopia, periventricular, X-linked dominant (PVNH1). Also called: X-linked periventricular heterotopia; PERIVENTRICULAR NODULAR HETEROTOPIA 1; PERIVENTRICULAR NODULAR HETEROTOPIA 4; HETEROTOPIA, PERIVENTRICULAR, 1. Identifiers: Orphanet 2149, Orphanet 82004, MedGen C1848213, MONDO:0010233, OMIM 300049.
Frontometaphyseal dysplasia (FMD1). Identifiers: Orphanet 1826, MedGen C0265293, MONDO:0015942.
Melnick-Needles syndrome (MNS). Also called: Melnick-Needles Syndrome (FLNA-MNS); MELNICK-NEEDLES OSTEODYSPLASTY; OSTEODYSPLASTY OF MELNICK AND NEEDLES. Identifiers: Orphanet 2484, MedGen C0025237, MONDO:0010650, OMIM 309350.

Submissions (4):

Department of Genetics, Rouen University Hospital, Normandy Center for Genomic and Personalized Medicine
Classification: Likely pathogenic for Heterotopia, periventricular, X-linked dominant. Last evaluated: 2021-11-10. Review status: criteria provided, single submitter. Criteria: ACMG Guidelines, 2015. Collection method: clinical testing. Allele origin: maternal. Affected: yes.

Labcorp Genetics (formerly Invitae), Labcorp
Classification: Uncertain significance for Oto-palato-digital syndrome, type II; Heterotopia, periventricular, X-linked dominant; Frontometaphyseal dysplasia; Melnick-Needles syndrome. Last evaluated: 2020-05-23. Review status: criteria provided, single submitter. Criteria: Invitae Variant Classification Sherloc (09022015). Collection method: clinical testing. Allele origin: germline.
Comment: This variant is not present in population databases (ExAC no frequency). This variant, c.7874_7876del, results in the deletion of 1 amino acid(s) of the FLNA protein (p.Gly2625del), but otherwise preserves the integrity of the reading frame. This variant has been observed in individual(s) with bilateral periventricular heterotopia (PMID: 25686753). This variant is also known as c.7897del3, p.2633delGly in the literature. Experimental studies and prediction algorithms are not available or were not evaluated, and the functional significance of this variant is currently unknown. In summary, the available evidence is currently insufficient to determine the role of this variant in disease. Therefore, it has been classified as a Variant of Uncertain Significance.

Blueprint Genetics
Classification: Uncertain significance. Last evaluated: 2018-01-12. Review status: criteria provided, single submitter. Criteria: ACMG Guidelines, 2015. Collection method: clinical testing. Allele origin: germline.

Centre de Biologie Pathologie Génétique, Centre Hospitalier Universitaire de Lille
Classification: Likely pathogenic for Periventricular nodular heterotopia 1. Last evaluated: 2019-01-01. Review status: no assertion criteria provided. Collection method: clinical testing. Allele origin: unknown. Affected: yes. Not counted in ClinVar's aggregate classification.

Literature cited by the submitters: PubMed 25686753 (cited by Labcorp Genetics (formerly Invitae), Labcorp).